The following is an entry in ClinVar:

ClinVar aggregate classification (germline): Uncertain significance (1 of 4 stars; one submission).

Conditions:
Immunodeficiency, common variable, 2 (CVID2). Also called: ANTIBODY DEFICIENCY DUE TO TACI DEFECT; HYPOGAMMAGLOBULINEMIA DUE TO TACI DEFICIENCY. Identifiers: Orphanet 1572, MedGen C3150354, MONDO:0009413, OMIM 240500.

Allele frequency attached by ClinVar (database versions not stated): gnomAD exomes below 0.00001; TOPMed below 0.00001.
gnomAD v4.1: 4 of 1,613,802 alleles (0.00025%); highest among the groups gnomAD compares: Middle Eastern, 0.035%; no homozygotes.

Submission:

Labcorp Genetics (formerly Invitae), Labcorp
Classification: Uncertain significance for Immunodeficiency, common variable, 2. Last evaluated: 2022-05-25. Review status: criteria provided, single submitter. Criteria: Invitae Variant Classification Sherloc (09022015). Collection method: clinical testing. Allele origin: germline.
Comment: In summary, the available evidence is currently insufficient to determine the role of this variant in disease. Therefore, it has been classified as a Variant of Uncertain Significance. Variants that disrupt the consensus splice site are a relatively common cause of aberrant splicing (PMID: 17576681, 9536098). Algorithms developed to predict the effect of sequence changes on RNA splicing suggest that this variant is not likely to affect RNA splicing. This variant has not been reported in the literature in individuals affected with TNFRSF13B-related conditions. This variant is not present in population databases (gnomAD no frequency). This sequence change falls in intron 3 of the TNFRSF13B gene. It does not directly change the encoded amino acid sequence of the TNFRSF13B protein. It affects a nucleotide within the consensus splice site.

Literature cited by the submitters: PubMed 17576681; PubMed 9536098.

NM_012452.3(TNFRSF13B):c.445+4A>C

Gene: TNFRSF13B (TNF receptor superfamily member 13B; minus strand). Cytogenetic location: 17p11.2.
Variant type: single nucleotide variant.
Coding change: c.445+4A>C on transcript NM_012452.3 (MANE Select); 4 bases into the intron after coding-DNA position 445, A replaced by C.
Molecular consequence: intron variant.
Genome position (GRCh38, 1-based): chr17:16,948,734, T>G on the plus strand (A>C on the coding strand, the complement: TNFRSF13B is on the minus strand). VCF-style: chr17-16948734-T-G. GRCh37 (hg19) VCF-style: chr17-16852048-T-G.
Identifiers: ClinVar variation 1476726 (VCV001476726.6), dbSNP rs2087566426, ClinGen allele CA2250304274.